The following is an entry in ClinVar:

NM_032444.4(SLX4):c.4423A>G (p.Thr1475Ala)

Gene: SLX4 (SLX4 structure-specific endonuclease subunit; minus strand). Cytogenetic location: 16p13.3.
Variant type: single nucleotide variant.
Coding change: c.4423A>G on transcript NM_032444.4 (MANE Select); coding-DNA position 4423, A replaced by G.
Protein change: p.Thr1475Ala; replaces threonine 1475 with alanine.
Molecular consequence: missense variant.
Genome position (GRCh38, 1-based): chr16:3,589,215, T>C on the plus strand (A>G on the coding strand, the complement: SLX4 is on the minus strand). VCF-style: chr16-3589215-T-C. GRCh37 (hg19) VCF-style: chr16-3639216-T-C.
Other names: short protein forms T1475A.
Identifiers: ClinVar variation 690290 (VCV000690290.5), dbSNP rs1596519823, ClinGen allele CA394517172.
Genomic context (GRCh38, chr16:3,589,215, plus strand): 5'-CGCCCGAGGACTTCTCTTGCAATTTCCTCTGGGTAGTGCAGCTTCCTCGGATGGGGGTGG[T>C]GTCCAGGAGTCCCGGGGAGCGACAGTCACGGCTGTCGGCGGCCTCGTTCATCCTGCGGCT-3'
Protein context (NP_115820.2, residues 1465-1485): RDCRSPGLLD[Thr1475Ala]TPIRGSCTTQ

ClinVar aggregate classification (germline): Uncertain significance (0 of 4 stars; one submission).

Conditions:
Malignant tumor of breast. Also called: Cancer breast; Malignant breast neoplasm. Identifiers: MedGen C0006142, MONDO:0007254. Disease mechanism: loss of function.

Submission:

Center of Medical Genetics and Primary Health Care
Classification: Uncertain significance for Breast Cancer. Last evaluated: 2020-04-08. Review status: no assertion criteria provided. Collection method: research. Allele origin: germline. Affected: yes. Observed: 1 heterozygote.
Comment: ACMG Guidelines 2015 criteria PM2 Pathogenic Moderate: Variant not found in GnomAD exomes. Variant not found in GnomAD genomes. BP1 Benign Supporting: 92 out of 92 non-VUS missense variants in gene SLX4 are benign = 100.0% > threshold of 51.0%, and 248 out of 555 clinically reported variants in gene SLX4 are benign = 44.7% > threshold of 24.0%. BP4 Benign Supporting: 9 benign predictions from DANN, DEOGEN2, EIGEN, MVP, MutationAssessor, MutationTaster, PrimateAI, REVEL and SIFT vs 2 pathogenic predictions from FATHMM-MKL and M-CAP and the position is not conserved. In summary, the available evidence is currently insufficient to determine the role of this variant in disease. Therefore, it has been classified as a Variant of Uncertain Significance.